The following is an entry in ClinVar:

NM_001164665.2(KIAA1549):c.565G>A (p.Ala189Thr)

Gene: KIAA1549 (KIAA1549; minus strand). Cytogenetic location: 7q34.
Variant type: single nucleotide variant.
Coding change: c.565G>A on transcript NM_001164665.2 (MANE Select); coding-DNA position 565, G replaced by A.
Protein change: p.Ala189Thr; replaces alanine 189 with threonine.
Molecular consequence: missense variant.
Genome position (GRCh38, 1-based): chr7:138,919,061, C>T on the plus strand (G>A on the coding strand, the complement: KIAA1549 is on the minus strand). VCF-style: chr7-138919061-C-T. GRCh37 (hg19) VCF-style: chr7-138603807-C-T.
Other names: c.565G>A, p.Ala189Thr (NM_020910.3); short protein forms A189T.
Identifiers: ClinVar variation 999319 (VCV000999319.8), dbSNP rs1812454637, ClinGen allele CA369402730.

ClinVar aggregate classification (germline): Uncertain significance (1 of 4 stars; one submission).

Allele frequency attached by ClinVar (database versions not stated): gnomAD 0.00001; gnomAD exomes 0.00001; TOPMed 0.00001.
gnomAD v4.1: 8 of 1,613,916 alleles (0.0005%); highest among the groups gnomAD compares: Admixed American, 0.0017%; no homozygotes.

Submission:

Labcorp Genetics (formerly Invitae), Labcorp
Classification: Uncertain significance. Last evaluated: 2021-01-22. Review status: criteria provided, single submitter. Criteria: Invitae Variant Classification Sherloc (09022015). Collection method: clinical testing. Allele origin: germline.
Comment: In summary, the available evidence is currently insufficient to determine the role of this variant in disease. Therefore, it has been classified as a Variant of Uncertain Significance. Algorithms developed to predict the effect of missense changes on protein structure and function output the following: SIFT: "Tolerated"; PolyPhen-2: "Benign"; Align-GVGD: "Class C0". The threonine amino acid residue is found in multiple mammalian species, suggesting that this missense change does not adversely affect protein function. These predictions have not been confirmed by published functional studies and their clinical significance is uncertain. This variant has not been reported in the literature in individuals with KIAA1549-related conditions. This variant is not present in population databases (ExAC no frequency). This sequence change replaces alanine with threonine at codon 189 of the KIAA1549 protein (p.Ala189Thr). The alanine residue is weakly conserved and there is a small physicochemical difference between alanine and threonine.